The following is an entry in ClinVar:

NM_017686.4(GDAP2):c.1453G>A (p.Gly485Arg)

Gene: GDAP2 (ganglioside induced differentiation associated protein 2; minus strand). Cytogenetic location: 1p12.
Variant type: single nucleotide variant.
Coding change: c.1453G>A on transcript NM_017686.4 (MANE Select); coding-DNA position 1453, G replaced by A.
Protein change: p.Gly485Arg; replaces glycine 485 with arginine.
Molecular consequence: missense variant.
Genome position (GRCh38, 1-based): chr1:117,870,610, C>T on the plus strand (G>A on the coding strand, the complement: GDAP2 is on the minus strand). VCF-style: chr1-117870610-C-T. GRCh37 (hg19) VCF-style: chr1-118413232-C-T.
Other names: p.Gly485Arg; c.1453G>A (NM_017686.3); short protein forms G485R.
Identifiers: ClinVar variation 4541386 (VCV004541386.1).

ClinVar aggregate classification (germline): Uncertain significance. Review status: criteria provided, multiple submitters, no conflicts (2 of 4 stars). 2 submissions from 2 submitters: Uncertain significance (2). Last evaluated 2025-11-19.

gnomAD v4.1: 144 of 1,597,384 alleles (0.009%); highest among the groups gnomAD compares: Middle Eastern, 0.017%; no homozygotes.

Submissions (2):

Ambry Genetics
Classification: Uncertain significance. Last evaluated: 2025-11-19. Review status: criteria provided, single submitter. Criteria: Ambry Variant Classification Scheme 2023. Collection method: clinical testing. Allele origin: germline.

Mayo Clinic Laboratories, Mayo Clinic
Classification: Uncertain significance. Last evaluated: 2025-05-11. Review status: criteria provided, single submitter. Criteria: ACMG Guidelines, 2015. Collection method: clinical testing. Allele origin: germline. Observed: 1 variant allele.
Comment: BP4